The following is an entry in ClinVar:

ClinVar aggregate classification (germline): Benign. Review status: criteria provided, multiple submitters, no conflicts (2 of 4 stars). 2 submissions from 2 submitters: Benign (2). Last evaluated 2018-06-14.

Allele frequency attached by ClinVar (database versions not stated): 1000 Genomes Project 0.14677; 1000 Genomes Project 30x 0.15272; TOPMed 0.16512.
gnomAD v4.1: 69,804 of 551,966 alleles (13%); highest among the groups gnomAD compares: African/African-American, 28%; 5,570 homozygotes.

Submissions (2):

GeneDx
Classification: Benign. Last evaluated: 2018-06-14. Review status: criteria provided, single submitter. Criteria: GeneDx Variant Classification (06012015). Collection method: clinical testing. Allele origin: germline. Affected: yes.
Comment: This variant is considered likely benign or benign based on one or more of the following criteria: it is a conservative change, it occurs at a poorly conserved position in the protein, it is predicted to be benign by multiple in silico algorithms, and/or has population frequency not consistent with disease.

Breakthrough Genomics
Classification: Benign. Review status: criteria provided, single submitter. Criteria: ACMG Guidelines, 2015. Collection method: not provided. Allele origin: germline. Inheritance: Autosomal recessive inheritance. Affected: yes.

NM_004369.4(COL6A3):c.7669-231A>C

Gene: COL6A3 (collagen type VI alpha 3 chain; minus strand). Cytogenetic location: 2q37.3.
Variant type: single nucleotide variant.
Coding change: c.7669-231A>C on transcript NM_004369.4 (MANE Select); 231 bases into the intron before coding-DNA position 7669, A replaced by C.
Molecular consequence: intron variant.
Genome position (GRCh38, 1-based): chr2:237,342,392, T>G on the plus strand (A>C on the coding strand, the complement: COL6A3 is on the minus strand). VCF-style: chr2-237342392-T-G. GRCh37 (hg19) VCF-style: chr2-238251035-T-G.
Other names: c.5848-231A>C (NM_057166.5); c.7051-231A>C (NM_057167.4).
Identifiers: ClinVar variation 681667 (VCV000681667.2), dbSNP rs10202434, ClinGen allele CA11142066.